The following is an entry in ClinVar:

ClinVar aggregate classification (germline): Uncertain significance (1 of 4 stars; one submission).

Conditions:
Cardiovascular phenotype. Identifiers: MedGen CN230736.

gnomAD v4.1: 3 of 1,560,526 alleles (0.00019%); highest among the groups gnomAD compares: East Asian, 0.0048%; no homozygotes.

Submission:

Ambry Genetics
Classification: Uncertain significance for Cardiovascular phenotype. Last evaluated: 2024-05-05. Review status: criteria provided, single submitter. Criteria: Ambry Variant Classification Scheme 2023. Collection method: clinical testing. Allele origin: germline.
Comment: The p.R527C variant (also known as c.1579C>T), located in coding exon 2 of the TNXB gene, results from a C to T substitution at nucleotide position 1579. The arginine at codon 527 is replaced by cysteine, an amino acid with highly dissimilar properties. This amino acid position is conserved. In addition, this alteration is predicted to be tolerated by in silico analysis. Based on the available evidence, the clinical significance of this variant remains unclear.

NM_001365276.2(TNXB):c.1579C>T (p.Arg527Cys)

Gene: TNXB (tenascin XB; minus strand). Cytogenetic location: 6p21.33.
Variant type: single nucleotide variant.
Coding change: c.1579C>T on transcript NM_001365276.2 (MANE Select); coding-DNA position 1579, C replaced by T.
Protein change: p.Arg527Cys; replaces arginine 527 with cysteine.
Molecular consequence: missense variant.
Genome position (GRCh38, 1-based): chr6:32,096,274, G>A on the plus strand (C>T on the coding strand, the complement: TNXB is on the minus strand). VCF-style: chr6-32096274-G-A. GRCh37 (hg19) VCF-style: chr6-32064051-G-A.
Other names: c.1579C>T, p.Arg527Cys (NM_019105.8); short protein forms R527C.
Identifiers: ClinVar variation 3327903 (VCV003327903.1).